The following is an entry in ClinVar:

ClinVar aggregate classification (germline): Uncertain significance (1 of 4 stars; one submission).

Conditions:
MOGS-congenital disorder of glycosylation. Also called: GLUCOSIDASE I DEFICIENCY; CDG IIb; CDG 2B; MOGS-CDG. Identifiers: Orphanet 79330, MedGen C1853736, MONDO:0011629, OMIM 606056.

Allele frequency attached by ClinVar (database versions not stated): gnomAD 0.00001.

Submission:

Labcorp Genetics (formerly Invitae), Labcorp
Classification: Uncertain significance for MOGS-congenital disorder of glycosylation. Last evaluated: 2022-06-13. Review status: criteria provided, single submitter. Criteria: Invitae Variant Classification Sherloc (09022015). Collection method: clinical testing. Allele origin: germline.
Comment: Algorithms developed to predict the effect of sequence changes on RNA splicing suggest that this variant may create or strengthen a splice site. This sequence change replaces asparagine, which is neutral and polar, with serine, which is neutral and polar, at codon 757 of the MOGS protein (p.Asn757Ser). This variant is not present in population databases (gnomAD no frequency). This variant has not been reported in the literature in individuals affected with MOGS-related conditions. Algorithms developed to predict the effect of missense changes on protein structure and function (SIFT, PolyPhen-2, Align-GVGD) all suggest that this variant is likely to be disruptive. In summary, the available evidence is currently insufficient to determine the role of this variant in disease. Therefore, it has been classified as a Variant of Uncertain Significance.

NM_006302.3(MOGS):c.2270A>G (p.Asn757Ser)

Gene: MOGS (mannosyl-oligosaccharide glucosidase; minus strand). Cytogenetic location: 2p13.1.
Variant type: single nucleotide variant.
Coding change: c.2270A>G on transcript NM_006302.3 (MANE Select); coding-DNA position 2270, A replaced by G.
Protein change: p.Asn757Ser; replaces asparagine 757 with serine.
Molecular consequence: missense variant.
Genome position (GRCh38, 1-based): chr2:74,461,519, T>C on the plus strand (A>G on the coding strand, the complement: MOGS is on the minus strand). VCF-style: chr2-74461519-T-C. GRCh37 (hg19) VCF-style: chr2-74688646-T-C.
Other names: c.1952A>G, p.Asn651Ser (NM_001146158.2); short protein forms N651S, N757S.
Identifiers: ClinVar variation 1485896 (VCV001485896.6), dbSNP rs1671903517, ClinGen allele CA347366649.